The following is an entry in ClinVar:

ClinVar aggregate classification (germline): Uncertain significance (1 of 4 stars; one submission).

Conditions:
CRYBB1-related disorder. Also called: CRYBB1-related condition.

Submission:

PreventionGenetics, part of Exact Sciences
Classification: Uncertain significance for CRYBB1-related condition. Last evaluated: 2026-09-18. Review status: criteria provided, single submitter. Criteria: ACMG Guidelines, 2015. Collection method: clinical testing. Allele origin: germline.
Comment: The CRYBB1 c.584G>A variant is predicted to result in the amino acid substitution p.Gly195Asp. To our knowledge, this variant has not been reported in the literature. This variant is absent in a large population database (gnomAD), indicating this variant is rare. At this time, the clinical significance of this variant is uncertain due to the absence of conclusive functional and genetic evidence.

NM_001887.4(CRYBB1):c.584G>A (p.Gly195Asp)

Genes: CRYBA4 (crystallin beta A4; plus strand), CRYBB1 (crystallin beta B1; minus strand). Cytogenetic location: 22q12.1.
Variant type: single nucleotide variant.
Coding change: c.584G>A on transcript NM_001887.4 (MANE Select); coding-DNA position 584, G replaced by A.
Protein change: p.Gly195Asp; replaces glycine 195 with aspartic acid.
Molecular consequence: missense variant.
Genome position (GRCh38, 1-based): chr22:26,599,665, C>T on the plus strand (G>A on the coding strand, the complement: CRYBB1 is on the minus strand). VCF-style: chr22-26599665-C-T. GRCh37 (hg19) VCF-style: chr22-26995629-C-T.
Other names: short protein forms G195D.
Identifiers: ClinVar variation 4992817 (VCV004992817.1).